The following is an entry in ClinVar:

ClinVar aggregate classification (germline): Uncertain significance (1 of 4 stars; one submission).

Conditions:
Malignant hyperthermia, susceptibility to, 1 (MHS1). Also called: RYR1-Related Malignant Hyperthermia Susceptibility; Anesthesia related hyperthermia; Malignant hyperpyrexia; Fulminating hyperpyrexia; Pharmacogenic myopathy; Malignant hyperthermia suceptibility 1. Identifiers: Orphanet 423, MedGen C2930980, MONDO:0007783, OMIM 145600.

Submission:

All of Us Research Program, National Institutes of Health
Classification: Uncertain significance for Malignant hyperthermia, susceptibility to, 1. Last evaluated: 2023-04-03. Review status: criteria provided, single submitter. Criteria: ACMG Guidelines, 2015. Collection method: clinical testing. Allele origin: germline. Inheritance: Autosomal dominant inheritance. Observed: 1 variant allele, 1 heterozygote.
Comment: This variant causes a C to A nucleotide substitution at the -9 position of intron 53 of the RYR1 gene. To our knowledge, functional studies have not been reported for this variant. This variant has not been reported in individuals affected with RYR1-related disorders in the literature. This variant has not been identified in the general population by the Genome Aggregation Database (gnomAD). The available evidence is insufficient to determine the role of this variant in disease conclusively. Therefore, this variant is classified as a Variant of Uncertain Significance.

This study involves interpretation of variants in research participants for the purpose of population health screening. Participant phenotype was not available at the time of variant classification. Additional details can be found in publication PMID: 35346344, PMCID: PMC8962531

NM_000540.3(RYR1):c.8401-9C>A

Genes: RYR1 (ryanodine receptor 1; plus strand), LOC126862902 (BRD4-independent group 4 enhancer GRCh37_chr19:38995830-38997029; plus strand). Cytogenetic location: 19q13.2.
Variant type: single nucleotide variant.
Coding change: c.8401-9C>A on transcript NM_000540.3 (MANE Select); 9 bases into the intron before coding-DNA position 8401, C replaced by A.
Molecular consequence: intron variant.
Genome position (GRCh38, 1-based): chr19:38,505,797, C>A. VCF-style: chr19-38505797-C-A. GRCh37 (hg19) VCF-style: chr19-38996437-C-A.
Other names: c.8401-9C>A (NM_001042723.2).
Identifiers: ClinVar variation 3070174 (VCV003070174.1), dbSNP rs756838296, ClinGen allele CA2825002791.